The following is an entry in ClinVar:

ClinVar aggregate classification (germline): Uncertain significance. Review status: criteria provided, multiple submitters, no conflicts (2 of 4 stars). 3 submissions from 3 submitters: Uncertain significance (3). Last evaluated 2025-02-12.

Conditions:
Primary ciliary dyskinesia 7. Also called: CILIARY DYSKINESIA, PRIMARY, 7, WITH OR WITHOUT SITUS INVERSUS. Identifiers: Orphanet 244, MedGen C2678473, MONDO:0012748, OMIM 611884.

gnomAD v4.1: 10 of 1,613,446 alleles (0.00062%); highest among the groups gnomAD compares: South Asian, 0.0022%; no homozygotes.

Submissions (3):

Broad Center for Mendelian Genomics, Broad Institute of MIT and Harvard
Classification: Uncertain significance for Primary ciliary dyskinesia 7. Last evaluated: 2025-02-12. Review status: criteria provided, single submitter. Criteria: ACMG Guidelines, 2015. Collection method: curation. Allele origin: germline. Inheritance: Autosomal recessive inheritance.
Comment: The p.Arg1627His variant in DNAH11 has been reported, in the compound heterozygous state, in 1 individual with primary ciliary dyskinesia (PMID: 31772028), and has been identified in 0.002% (2/91012) of South Asian chromosomes by the Genome Aggregation Database (gnomAD; dbSNP rs943023493). Although this variant has been seen in the general population in a heterozygous state, its frequency is low enough to be consistent with a recessive carrier frequency. Computational prediction tools and conservation analyses suggest that this variant may impact the protein, though this information is not predictive enough to determine pathogenicity. In summary, the clinical significance of the p.Arg1627His variant is uncertain. ACMG/AMP Criteria applied: PP3_moderate, PM2_supporting, PM3_supporting (Richards 2015).

Women's Health and Genetics/Laboratory Corporation of America, LabCorp
Classification: Uncertain significance. Last evaluated: 2025-01-16. Review status: criteria provided, single submitter. Criteria: LabCorp Variant Classification Summary - May 2015. Collection method: clinical testing. Allele origin: germline.
Comment: Variant summary: DNAH11 c.4880G>A (p.Arg1627His) results in a non-conservative amino acid change in the encoded protein sequence. Three of three in-silico tools predict a damaging effect of the variant on protein function. The variant allele was found at a frequency of 4e-06 in 249004 control chromosomes. The available data on variant occurrences in the general population are insufficient to allow any conclusion about variant significance. c.4880G>A has been reported in the literature in one individual affected with Primary Ciliary Dyskinesia (Blanchon_2020). These data do not allow any conclusion about variant significance. To our knowledge, no experimental evidence demonstrating an impact on protein function has been reported. The following publication has been ascertained in the context of this evaluation (PMID: 31772028). No submitters have cited clinical-significance assessments for this variant to ClinVar. Based on the evidence outlined above, the variant was classified as uncertain significance.

Blueprint Genetics
Classification: Uncertain significance. Last evaluated: 2023-12-22. Review status: criteria provided, single submitter. Criteria: ACMG Guidelines, 2015. Collection method: clinical testing. Allele origin: germline.

Literature cited by the submitters: PubMed 31772028 (cited by Women's Health and Genetics/Laboratory Corporation of America, LabCorp).

NM_001277115.2(DNAH11):c.4880G>A (p.Arg1627His)

Gene: DNAH11 (dynein axonemal heavy chain 11; plus strand). Cytogenetic location: 7p15.3.
Variant type: single nucleotide variant.
Coding change: c.4880G>A on transcript NM_001277115.2 (MANE Select); coding-DNA position 4880, G replaced by A.
Protein change: p.Arg1627His; replaces arginine 1627 with histidine.
Molecular consequence: missense variant.
Genome position (GRCh38, 1-based): chr7:21,639,001, G>A. VCF-style: chr7-21639001-G-A. GRCh37 (hg19) VCF-style: chr7-21678619-G-A.
Other names: short protein forms R1627H.
Identifiers: ClinVar variation 3769565 (VCV003769565.4).